The following is an entry in ClinVar:

ClinVar aggregate classification (germline): Pathogenic (1 of 4 stars; one submission).

Conditions:
Episodic kinesigenic dyskinesia (EKD). Also called: Paroxysmal kinesigenic dyskinesia. Identifiers: Orphanet 98809, MedGen C1868682, MONDO:0044202.

Submission:

Labcorp Genetics (formerly Invitae), Labcorp
Classification: Pathogenic for Paroxysmal kinesigenic dyskinesia. Last evaluated: 2019-12-03. Review status: criteria provided, single submitter. Criteria: Invitae Variant Classification Sherloc (09022015). Collection method: clinical testing. Allele origin: germline.
Comment: A gross deletion of the genomic region encompassing the full coding sequence of the PRRT2 gene has been identified. The boundaries of this event are unknown as the deletion extends beyond the assayed region for this gene and therefore may encompass additional genes. Loss-of-function variants in PRRT2 are known to be pathogenic. This particular deletion has been reported in the literature in individuals affected with paroxysmal kinesigenic dyskinesia, infantile convulsions with paroxysmal choreoathetosis syndrome, and/or epilepsy (PMID: 22515636, 23363396, 24811917). For these reasons, this variant has been classified as Pathogenic.

Literature cited by the submitters: PubMed 22515636; PubMed 23363396; PubMed 24811917.

NC_000016.10:g.(?_29813045)_(29814648_?)del

Genes: MVP-DT (MVP divergent transcript; minus strand), PRRT2 (proline rich transmembrane protein 2; plus strand). Cytogenetic location: 16p11.2.
Variant type: Deletion.
Identifiers: ClinVar variation 645873 (VCV000645873.2).